The following is an entry in ClinVar:

ClinVar aggregate classification (germline): Uncertain significance. Review status: criteria provided, multiple submitters, no conflicts (2 of 4 stars). 2 submissions from 2 submitters: Uncertain significance (2). Last evaluated 2022-08-19.

Conditions:
Nephronophthisis 12 (NPHP12). Identifiers: Orphanet 655, MedGen C3151186, MONDO:0013442, OMIM 613820.
Asphyxiating thoracic dystrophy 4 (SRTD4). Also called: SHORT-RIB THORACIC DYSPLASIA 4; SHORT-RIB THORACIC DYSPLASIA 4 WITH OR WITHOUT POLYDACTYLY. Identifiers: Orphanet 474, MedGen C3151185, MONDO:0013441, OMIM 613819.
Nephronophthisis. Also called: Juvenile Nephronophthisis. Identifiers: Orphanet 655, MedGen C0687120, MONDO:0019005, HP:0000090.
Jeune thoracic dystrophy. Also called: Jeune syndrome; Infantile thoracic dystrophy; Thoracic pelvic phalangeal dystrophy; Jeune's syndrome; Chondroectodermal dysplasia-like syndrome; Short-rib thoracic dysplasia. Identifiers: Orphanet 474, MedGen C0265275, MONDO:0018770.

Allele frequency attached by ClinVar (database versions not stated): gnomAD 0.00001; TOPMed 0.00001; ExAC 0.00002; gnomAD exomes 0.00002.
gnomAD v4.1: 34 of 1,604,844 alleles (0.0021%); highest among the groups gnomAD compares: East Asian, 0.067%; no homozygotes.

Submissions (2):

Labcorp Genetics (formerly Invitae), Labcorp
Classification: Uncertain significance for Jeune thoracic dystrophy; Nephronophthisis. Last evaluated: 2022-08-19. Review status: criteria provided, single submitter. Criteria: Invitae Variant Classification Sherloc (09022015). Collection method: clinical testing. Allele origin: germline.
Comment: This sequence change replaces methionine, which is neutral and non-polar, with valine, which is neutral and non-polar, at codon 956 of the TTC21B protein (p.Met956Val). This variant is present in population databases (rs746138925, gnomAD 0.03%). This variant has not been reported in the literature in individuals affected with TTC21B-related conditions. ClinVar contains an entry for this variant (Variation ID: 1354889). Algorithms developed to predict the effect of missense changes on protein structure and function (SIFT, PolyPhen-2, Align-GVGD) all suggest that this variant is likely to be tolerated. In summary, the available evidence is currently insufficient to determine the role of this variant in disease. Therefore, it has been classified as a Variant of Uncertain Significance.

Fulgent Genetics
Classification: Uncertain significance for Asphyxiating thoracic dystrophy 4; Nephronophthisis 12. Last evaluated: 2021-09-08. Review status: criteria provided, single submitter. Criteria: ACMG Guidelines, 2015. Collection method: clinical testing. Allele origin: unknown.

NM_024753.5(TTC21B):c.2866A>G (p.Met956Val)

Gene: TTC21B (tetratricopeptide repeat domain 21B; minus strand). Cytogenetic location: 2q24.3.
Variant type: single nucleotide variant.
Coding change: c.2866A>G on transcript NM_024753.5 (MANE Select); coding-DNA position 2866, A replaced by G.
Protein change: p.Met956Val; replaces methionine 956 with valine.
Molecular consequence: missense variant.
Genome position (GRCh38, 1-based): chr2:165,899,772, T>C on the plus strand (A>G on the coding strand, the complement: TTC21B is on the minus strand). VCF-style: chr2-165899772-T-C. GRCh37 (hg19) VCF-style: chr2-166756282-T-C.
Other names: short protein forms M956V.
Identifiers: ClinVar variation 1354889 (VCV001354889.4), dbSNP rs746138925, ClinGen allele CA1941679.